The following is an entry in ClinVar:

NM_018127.7(ELAC2):c.1079+72G>C

Gene: ELAC2 (elaC ribonuclease Z 2; minus strand). Cytogenetic location: 17p12.
Variant type: single nucleotide variant.
Coding change: c.1079+72G>C on transcript NM_018127.7 (MANE Select); 72 bases into the intron after coding-DNA position 1079, G replaced by C.
Molecular consequence: intron variant.
Genome position (GRCh38, 1-based): chr17:13,003,407, C>G on the plus strand (G>C on the coding strand, the complement: ELAC2 is on the minus strand). VCF-style: chr17-13003407-C-G. GRCh37 (hg19) VCF-style: chr17-12906724-C-G.
Other names: c.959+72G>C (NM_001165962.2); c.1079+72G>C (NM_173717.2).
Identifiers: ClinVar variation 675512 (VCV000675512.2), dbSNP rs59429173, ClinGen allele CA8401365.
Genomic context (GRCh38, chr17:13,003,407, plus strand): 5'-GCAGGAATCCCACAGAAAGTTTAGGCAGGTGCAGAAGGGTAGGTAGCGCTGGAAAGAGCA[C>G]GAGGGGAGGAAAGGGGAATCCACCACTGCCCAGAAGAGTTACCCCAAGTGCCGCTGGGCT-3'

ClinVar aggregate classification (germline): Benign. Review status: criteria provided, multiple submitters, no conflicts (2 of 4 stars). 2 submissions from 2 submitters: Benign (2). Last evaluated 2018-06-16.

Allele frequency attached by ClinVar (database versions not stated): TOPMed 0.00922; 1000 Genomes Project 30x 0.03592; 1000 Genomes Project 0.03874.
gnomAD v4.1: 12,512 of 1,395,172 alleles (0.9%); highest among the groups gnomAD compares: East Asian, 14%; 603 homozygotes.

Submissions (2):

GeneDx
Classification: Benign. Last evaluated: 2018-06-16. Review status: criteria provided, single submitter. Criteria: GeneDx Variant Classification (06012015). Collection method: clinical testing. Allele origin: germline. Affected: yes.
Comment: This variant is considered likely benign or benign based on one or more of the following criteria: it is a conservative change, it occurs at a poorly conserved position in the protein, it is predicted to be benign by multiple in silico algorithms, and/or has population frequency not consistent with disease.

Breakthrough Genomics
Classification: Benign. Review status: criteria provided, single submitter. Criteria: ACMG Guidelines, 2015. Collection method: not provided. Allele origin: germline. Inheritance: Autosomal recessive inheritance. Affected: yes.